The following is an entry in ClinVar:

ClinVar aggregate classification (germline): Uncertain significance. Review status: criteria provided, multiple submitters, no conflicts (2 of 4 stars). 5 submissions from 5 submitters: Uncertain significance (3). 2 of the submissions do not count toward it. Last evaluated 2025-11-25.

Conditions:
Cardiovascular phenotype. Identifiers: MedGen CN230736.
Hypertrophic cardiomyopathy 12. Identifiers: MedGen C2677491, MONDO:0012804, OMIM 612124.
Dilated cardiomyopathy 1M (CMD1M). Identifiers: Orphanet 154, MedGen C1843808, MONDO:0011840, OMIM 607482.

gnomAD v4.1: 5 of 1,614,002 alleles (0.00031%); highest among the groups gnomAD compares: East Asian, 0.0022%; no homozygotes.

Submissions (5):

Labcorp Genetics (formerly Invitae), Labcorp
Classification: Uncertain significance for Hypertrophic cardiomyopathy 12; Dilated cardiomyopathy 1M. Last evaluated: 2025-11-25. Review status: criteria provided, single submitter. Criteria: Invitae Variant Classification Sherloc (09022015). Collection method: clinical testing. Allele origin: germline.
Comment: This sequence change replaces glycine, which is neutral and non-polar, with cysteine, which is neutral and slightly polar, at codon 89 of the CSRP3 protein (p.Gly89Cys). This variant is present in population databases (rs367827746, gnomAD 0.02%). This missense change has been observed in individual(s) with dilated cardiomyopathy (PMID: 32880476, 36252119). ClinVar contains an entry for this variant (Variation ID: 958665). An algorithm developed to predict the effect of missense changes on protein structure and function (PolyPhen-2) suggests that this variant is likely to be disruptive. In summary, the available evidence is currently insufficient to determine the role of this variant in disease. Therefore, it has been classified as a Variant of Uncertain Significance.

Ambry Genetics
Classification: Uncertain significance for Cardiovascular phenotype. Last evaluated: 2025-05-20. Review status: criteria provided, single submitter. Criteria: Ambry Variant Classification Scheme 2023. Collection method: clinical testing. Allele origin: germline.
Comment: The p.G89C variant (also known as c.265G>T), located in coding exon 2 of the CSRP3 gene, results from a G to T substitution at nucleotide position 265. The glycine at codon 89 is replaced by cysteine, an amino acid with highly dissimilar properties. This variant has been reported in a dilated cardiomyopathy (DCM) cohort (Verdonschot JAJ et al. Circ Genom Precis Med, 2020 Oct;13:476-487). This amino acid position is well conserved in available vertebrate species. In addition, the in silico prediction for this alteration is inconclusive. Based on the available evidence, the clinical significance of this variant remains unclear.

Mayo Clinic Laboratories, Mayo Clinic
Classification: Uncertain significance. Last evaluated: 2021-10-05. Review status: criteria provided, single submitter. Criteria: ACMG Guidelines, 2015. Collection method: clinical testing. Allele origin: germline.

Diagnostic Laboratory, Department of Genetics, University Medical Center Groningen
Classification: Uncertain significance. Review status: no assertion criteria provided. Collection method: clinical testing. Allele origin: germline. Affected: yes. Study: VKGL Data-share Consensus. Not counted in ClinVar's aggregate classification.

Joint Genome Diagnostic Labs from Nijmegen and Maastricht, Radboudumc and MUMC+
Classification: Uncertain significance. Review status: no assertion criteria provided. Collection method: clinical testing. Allele origin: germline. Affected: yes. Study: VKGL Data-share Consensus. Not counted in ClinVar's aggregate classification.

Literature cited by the submitters: PubMed 32880476 (cited by Labcorp Genetics (formerly Invitae), Labcorp and Ambry Genetics); PubMed 36252119 (cited by Labcorp Genetics (formerly Invitae), Labcorp).

NM_003476.5(CSRP3):c.265G>T (p.Gly89Cys)

Gene: CSRP3 (cysteine and glycine rich protein 3; minus strand). Cytogenetic location: 11p15.1.
Variant type: single nucleotide variant.
Coding change: c.265G>T on transcript NM_003476.5 (MANE Select); coding-DNA position 265, G replaced by T.
Protein change: p.Gly89Cys; replaces glycine 89 with cysteine.
Molecular consequence: missense variant. On other transcripts: intron variant (1).
Genome position (GRCh38, 1-based): chr11:19,188,152, C>A on the plus strand (G>T on the coding strand, the complement: CSRP3 is on the minus strand). VCF-style: chr11-19188152-C-A. GRCh37 (hg19) VCF-style: chr11-19209699-C-A.
Other names: p.Gly89Cys; c.113-1804G>T (NM_001369404.1); c.265G>T (NM_003476.3); short protein forms G89C.
Identifiers: ClinVar variation 958665 (VCV000958665.15), dbSNP rs367827746, ClinGen allele CA5916602.
Genomic context (GRCh38, chr11:19,188,152, plus strand): 5'-ATTGGAGACTTTAACAGGCAAGGGGGAGCAGGGCAGTAACTCACTGTTGGAACTGCAGGC[C>A]GAGATGCTCGCCCGTGTCTGTGCTGAGACAGCCAGCGCCTTGTCCATACCCGATCCCTTT-3'
Protein context (NP_003467.1, residues 79-99): CLSTDTGEHL[Gly89Cys]LQFQQSPKPA